The following is an entry in ClinVar:

NM_133497.4(KCNV2):c.618G>C (p.Arg206=)

Gene: KCNV2 (potassium voltage-gated channel modifier subfamily V member 2; plus strand). Cytogenetic location: 9p24.2.
Variant type: single nucleotide variant.
Coding change: c.618G>C on transcript NM_133497.4 (MANE Select); coding-DNA position 618, G replaced by C.
Protein change: p.Arg206=; no amino-acid change (arginine 206 retained).
Molecular consequence: synonymous variant.
Genome position (GRCh38, 1-based): chr9:2,718,357, G>C. VCF-style: chr9-2718357-G-C. GRCh37 (hg19) VCF-style: chr9-2718357-G-C.
Other names: c.618G>C (NM_133497.3).
Identifiers: ClinVar variation 1143412 (VCV001143412.11), dbSNP rs745790275, ClinGen allele CA4965540.

ClinVar aggregate classification (germline): Likely benign. Review status: criteria provided, single submitter (1 of 4 stars). 2 submissions from 2 submitters: Likely benign (1). 1 of the submissions does not count toward it. Last evaluated 2023-11-25.

Conditions:
KCNV2-related disorder. Also called: KCNV2-related condition.

Allele frequency attached by ClinVar (database versions not stated): gnomAD 0.00001; TOPMed 0.00002; ExAC 0.00005.
gnomAD v4.1: 28 of 1,598,348 alleles (0.0018%); highest among the groups gnomAD compares: Middle Eastern, 0.018%; no homozygotes.

Submissions (2):

Labcorp Genetics (formerly Invitae), Labcorp
Classification: Likely benign. Last evaluated: 2023-11-25. Review status: criteria provided, single submitter. Criteria: Invitae Variant Classification Sherloc (09022015). Collection method: clinical testing. Allele origin: germline.

PreventionGenetics, part of Exact Sciences
Classification: Likely benign for KCNV2-related condition. Last evaluated: 2019-03-20. Review status: no assertion criteria provided. Collection method: clinical testing. Allele origin: germline. Not counted in ClinVar's aggregate classification.
Comment: This variant is classified as likely benign based on ACMG/AMP sequence variant interpretation guidelines (Richards et al. 2015 PMID: 25741868, with internal and published modifications).